The following is an entry in ClinVar:

ClinVar aggregate classification (germline): Uncertain significance (1 of 4 stars; one submission).

Submission:

Labcorp Genetics (formerly Invitae), Labcorp
Classification: Uncertain significance. Last evaluated: 2025-04-02. Review status: criteria provided, single submitter. Criteria: Invitae Variant Classification Sherloc (09022015). Collection method: clinical testing. Allele origin: germline.
Comment: This sequence change creates a premature translational stop signal (p.Cys343Metfs*19) in the CYP51A1 gene. It is expected to result in an absent or disrupted protein product. However, the current clinical and genetic evidence is not sufficient to establish whether loss-of-function variants in CYP51A1 cause disease. This variant is present in population databases (rs746385504, gnomAD 0.06%), and has an allele count higher than expected for a pathogenic variant. This variant has not been reported in the literature in individuals affected with CYP51A1-related conditions. In summary, the available evidence is currently insufficient to determine the role of this variant in disease. Therefore, it has been classified as a Variant of Uncertain Significance.

NM_000786.4(CYP51A1):c.1026dup (p.Cys343fs)

Gene: CYP51A1 (cytochrome P450 family 51 subfamily A member 1; minus strand). Cytogenetic location: 7q21.2.
Variant type: Duplication.
Coding change: c.1026dup on transcript NM_000786.4 (MANE Select); coding-DNA position 1026, one base duplicated (A; older notation c.1026dupA).
Protein change: p.Cys343fs; shifts the reading frame from cysteine 343.
Molecular consequence: frameshift variant.
Genome position (GRCh38, 1-based): chr7:92,123,180, T duplicated on the plus strand (A on the coding strand, the reverse complement: CYP51A1 is on the minus strand); the first of 8 consecutive T bases (chr7:92,123,180-92,123,187); duplicating any one gives the same sequence. VCF-style (leftmost placement, unchanged base first): chr7-92123179-A-AT. GRCh37 (hg19) VCF-style: chr7-91752493-A-AT.
Other names: c.711dup, p.Cys238fs (NM_001146152.2); short protein forms C238fs, C343fs.
Identifiers: ClinVar variation 4799997 (VCV004799997.1).
Genomic context (GRCh38, chr7:92,123,179, plus strand): 5'-CCTGGTCATAAGTTAAAGGAGGCAGATTCTCTCCACAGACTGTTTTCTGTTCTAAATAAC[A>AT]TTTTTTTTGAAGTGTTTTGTCTCTGGCCAAAAAGAAGCCCATCCAAGCACTAGTAGTTGA-3'